The following is an entry in ClinVar:

NM_002578.5(PAK3):c.611G>A (p.Arg204His)

Gene: PAK3 (p21 (RAC1) activated kinase 3; plus strand). Cytogenetic location: Xq23.
Variant type: single nucleotide variant.
Coding change: c.611G>A on transcript NM_002578.5 (MANE Select); coding-DNA position 611, G replaced by A.
Protein change: p.Arg204His; replaces arginine 204 with histidine.
Molecular consequence: missense variant. On other transcripts: non-coding transcript variant (2).
Genome position (GRCh38, 1-based): chrX:111,163,572, G>A. VCF-style: chrX-111163572-G-A. GRCh37 (hg19) VCF-style: chrX-110406800-G-A.
Other names: c.611G>A, p.Arg204His (NM_001128166.3, NM_001128167.3, NM_001324325.2 and 5 more transcripts); c.719G>A, p.Arg240His (NM_001128168.3); c.674G>A, p.Arg225His (NM_001128172.2); c.656G>A, p.Arg219His (NM_001128173.3, NM_001324327.2, NM_001324328.2 and 2 more transcripts); short protein forms R204H, R219H, R225H, R240H.
Identifiers: ClinVar variation 4532148 (VCV004532148.1).

ClinVar aggregate classification (germline): Uncertain significance (1 of 4 stars; one submission).

Conditions:
Intellectual developmental disorder, X-linked 30. Also called: MENTAL RETARDATION, X-LINKED 47; Intellectual disability, X-linked 30. Identifiers: Orphanet 777, MedGen C0796237, MONDO:0010361, OMIM 300558.

gnomAD v4.1: 1 of 1,204,070 alleles (0.000083%); highest among the groups gnomAD compares: Non-Finnish European, 0.00011%; no homozygotes.

Submission:

Victorian Clinical Genetics Services, Murdoch Childrens Research Institute
Classification: Uncertain significance for Intellectual developmental disorder, X-linked 30. Last evaluated: 2025-09-01. Review status: criteria provided, single submitter. Criteria: ACMG Guidelines, 2015. Collection method: clinical testing. Allele origin: germline. Affected: yes.
Comment: This variant is classified as VUS-3B. Evidence in support of pathogenic classification: Variant is present in gnomAD <0.01 (v4: 1 heterozygote(s), 0 homozygote(s), 0 hemizygote(s)). Additional information: Variant is predicted to result in a missense amino acid change from Arg to His; This variant is hemizygous; This gene is associated with X-linked recessive disease. However, a few affected females have been reported (PMID: 32050918); Alternative amino acid change(s) at the same position are present in gnomAD (Highest allele count: v2: 1 heterozygote(s), 0 homozygote(s), 1 hemizygote(s)); This variant has no previous evidence of pathogenicity; No published evidence of segregation with disease has been identified for this variant; No published functional evidence has been identified for this variant; No comparable missense variants have previous evidence for pathogenicity; Variant is not located in an established domain, motif, hotspot or informative constraint region; Missense variant with inconclusive in silico prediction and uninformative conservation; Loss of function is a known mechanism of disease in this gene and is associated with intellectual developmental disorder, X-linked 30 (MIM#300558). However, it was noted that variants leading to a more severe phenotype demonstrated increased protein stability, making dominant-negative a likely mechanism of disease (PMID: 31843706); Variants in this gene are known to have variable expressivity. Affected individuals have been described to have mild to severe intellectual disability, with or without brain anomalies (PMID: 31843706).

Literature cited by the submitters: PubMed 32050918; PubMed 31843706.